The following is an entry in ClinVar:

NM_005060.4(RORC):c.718G>A (p.Gly240Arg)

Gene: RORC (RAR related orphan receptor C; minus strand). Cytogenetic location: 1q21.3.
Variant type: single nucleotide variant.
Coding change: c.718G>A on transcript NM_005060.4 (MANE Select); coding-DNA position 718, G replaced by A.
Protein change: p.Gly240Arg; replaces glycine 240 with arginine.
Molecular consequence: missense variant.
Genome position (GRCh38, 1-based): chr1:151,815,006, C>T on the plus strand (G>A on the coding strand, the complement: RORC is on the minus strand). VCF-style: chr1-151815006-C-T. GRCh37 (hg19) VCF-style: chr1-151787482-C-T.
Other names: c.655G>A, p.Gly219Arg (NM_001001523.2); short protein forms G240R, G219R.
Identifiers: ClinVar variation 2169528 (VCV002169528.3), dbSNP rs183023655, ClinGen allele CA1095868.

ClinVar aggregate classification (germline): Uncertain significance (1 of 4 stars; one submission).

Conditions:
Autosomal recessive mendelian susceptibility to mycobacterial diseases due to complete RORgamma receptor deficiency. Also called: Immunodeficiency 42. Identifiers: Orphanet 477857, MedGen C5567647, MONDO:0014710, OMIM 616622.

Allele frequency attached by ClinVar (database versions not stated): gnomAD exomes below 0.00001; ExAC 0.00001; gnomAD 0.00001; 1000 Genomes Project 30x 0.00016; 1000 Genomes Project 0.00020.
gnomAD v4.1: 5 of 1,614,206 alleles (0.00031%); highest among the groups gnomAD compares: Middle Eastern, 0.016%; no homozygotes.

Submission:

Labcorp Genetics (formerly Invitae), Labcorp
Classification: Uncertain significance for Autosomal recessive mendelian susceptibility to mycobacterial diseases due to complete RORgamma receptor deficiency. Last evaluated: 2024-11-05. Review status: criteria provided, single submitter. Criteria: Invitae Variant Classification Sherloc (09022015). Collection method: clinical testing. Allele origin: germline.
Comment: This sequence change replaces glycine, which is neutral and non-polar, with arginine, which is basic and polar, at codon 240 of the RORC protein (p.Gly240Arg). This variant is present in population databases (rs183023655, gnomAD 0.0009%). This variant has not been reported in the literature in individuals affected with RORC-related conditions. ClinVar contains an entry for this variant (Variation ID: 2169528). An algorithm developed to predict the effect of missense changes on protein structure and function (PolyPhen-2) suggests that this variant¬†is likely to be tolerated. In summary, the available evidence is currently insufficient to determine the role of this variant in disease. Therefore, it has been classified as a Variant of Uncertain Significance.